The following is an entry in ClinVar:

ClinVar aggregate classification (germline): Benign/Likely benign. Review status: criteria provided, multiple submitters, no conflicts (2 of 4 stars). 8 submissions from 8 submitters: Benign (3); Likely benign (3). 2 of the submissions do not count toward it. Last evaluated 2025-10-31.

Conditions:
Neuropathy, hereditary motor and sensory, with deafness, impaired intellectual development, and absent sensory large myelinated fibers. Also called: NEUROPATHY, HEREDITARY MOTOR AND SENSORY, WITH DEAFNESS, MENTAL RETARDATION, AND ABSENT SENSORY LARGE MYELINATED FIBERS; DEAFNESS WITH CHARCOT-MARIE-TOOTH DISEASE; Charcot-Marie-Tooth disease-hearing loss-intellectual disability syndrome. Identifiers: Orphanet 90103, MedGen C1861669, MONDO:0008960, OMIM 214370.
Charcot-Marie-Tooth disease. Also called: Charcot-Marie-Tooth Hereditary Neuropathy; Charcot-Marie-Tooth Neuropathy. Identifiers: Orphanet 166, MedGen C0007959, MONDO:0015626.
Charcot-Marie-Tooth Neuropathy X. Identifiers: MedGen CN118851.
GJB1-related disorder. Also called: GJB1-related condition; GJB1-related disorders.

Allele frequency attached by ClinVar (database versions not stated): gnomAD exomes 0.00032 and 0.00079; TOPMed 0.00040; 1000 Genomes Project 30x 0.00104; gnomAD 0.00018 and 0.00027; ExAC 0.00087; 1000 Genomes Project 0.00079.
gnomAD v4.1: 390 of 1,208,568 alleles (0.032%); highest among the groups gnomAD compares: East Asian, 0.83%; 3 homozygotes.

Submissions (8):

PreventionGenetics, part of Exact Sciences
Classification: Benign for GJB1-related condition. Last evaluated: 2025-10-31. Review status: criteria provided, single submitter. Criteria: ACMG Guidelines, 2015. Collection method: clinical testing. Allele origin: germline.
Comment: This variant is classified as benign based on ACMG/AMP sequence variant interpretation guidelines (Richards et al. 2015 PMID: 25741868, with internal and published modifications).

Labcorp Genetics (formerly Invitae), Labcorp
Classification: Benign for Charcot-Marie-Tooth Neuropathy X. Last evaluated: 2025-10-29. Review status: criteria provided, single submitter. Criteria: Invitae Variant Classification Sherloc (09022015). Collection method: clinical testing. Allele origin: germline.

Blueprint Genetics
Classification: Likely benign. Last evaluated: 2024-11-01. Review status: criteria provided, single submitter. Criteria: ACMG Guidelines, 2015. Collection method: clinical testing. Allele origin: germline.

Athena Diagnostics
Classification: Benign. Last evaluated: 2020-09-22. Review status: criteria provided, single submitter. Criteria: Athena Diagnostics criteria. Collection method: clinical testing. Allele origin: unknown.

GeneDx
Classification: Likely benign. Last evaluated: 2020-08-19. Review status: criteria provided, single submitter. Criteria: GeneDx Variant Classification Process June 2021. Collection method: clinical testing. Allele origin: germline. Affected: yes.

Molecular Genetics Laboratory, London Health Sciences Centre
Classification: Likely benign for Charcot-Marie-Tooth disease. Review status: criteria provided, single submitter. Criteria: ACMG Guidelines, 2015. Collection method: clinical testing. Allele origin: germline. Affected: yes.

Natera, Inc.
Classification: Likely benign for Charcot-Marie-Tooth disease with deafness. Last evaluated: 2020-06-11. Review status: no assertion criteria provided. Collection method: clinical testing. Allele origin: germline. Not counted in ClinVar's aggregate classification.

Inherited Neuropathy Consortium
Classification: Benign. Review status: no assertion criteria provided. Collection method: literature only. Allele origin: germline. Affected: yes. Not counted in ClinVar's aggregate classification.

Literature cited by the submitters: PubMed 15241803 (cited by Athena Diagnostics and Inherited Neuropathy Consortium); PubMed 12402337 (cited by Athena Diagnostics).

NM_000166.6(GJB1):c.30C>T (p.Leu10=)

Gene: GJB1 (gap junction protein beta 1; plus strand). Cytogenetic location: Xq13.1.
Variant type: single nucleotide variant.
Coding change: c.30C>T on transcript NM_000166.6 (MANE Select); coding-DNA position 30, C replaced by T.
Protein change: p.Leu10=; no amino-acid change (leucine 10 retained).
Molecular consequence: synonymous variant.
Genome position (GRCh38, 1-based): chrX:71,223,737, C>T. VCF-style: chrX-71223737-C-T. GRCh37 (hg19) VCF-style: chrX-70443587-C-T.
Other names: c.30C>T, p.Leu10= (NM_001097642.3).
Identifiers: ClinVar variation 637426 (VCV000637426.20), dbSNP rs183702021, ClinGen allele CA10445273.
Genomic context (GRCh38, chrX:71,223,737, plus strand): 5'-GCTGGTGTTTTGCAGGTGTGAATGAGGCAGGATGAACTGGACAGGTTTGTACACCTTGCT[C>T]AGTGGCGTGAACCGGCATTCTACTGCCATTGGCCGAGTATGGCTCTCGGTCATCTTCATC-3'
Protein context (NP_000157.1, residues 1-20): MNWTGLYTL[Leu10=]SGVNRHSTAI